The following is an entry in ClinVar:

ClinVar aggregate classification (germline): Uncertain significance (1 of 4 stars; one submission).

Conditions:
Fabry disease. Also called: ALPHA-GALACTOSIDASE A DEFICIENCY; ANDERSON-FABRY DISEASE; CERAMIDE TRIHEXOSIDASE DEFICIENCY; GLA DEFICIENCY; HEREDITARY DYSTOPIC LIPIDOSIS; Fabry's disease. Identifiers: Orphanet 324, MedGen C0002986, MONDO:0010526, OMIM 301500, HP:0001071. Disease mechanism: Fabry disease is due to inactivating mutations in the X-linked GLA gene resulting in deficiency of the enzyme Alpha Galactosidase-A., loss of function.

Submission:

Labcorp Genetics (formerly Invitae), Labcorp
Classification: Uncertain significance for Fabry disease. Last evaluated: 2020-10-13. Review status: criteria provided, single submitter. Criteria: Invitae Variant Classification Sherloc (09022015). Collection method: clinical testing. Allele origin: germline.
Comment: This variant has not been reported in the literature in individuals with GLA-related conditions. In summary, the available evidence is currently insufficient to determine the role of this variant in disease. Therefore, it has been classified as a Variant of Uncertain Significance. Algorithms developed to predict the effect of missense changes on protein structure and function (SIFT, PolyPhen-2, Align-GVGD) all suggest that this variant is likely to be disruptive, but these predictions have not been confirmed by published functional studies and their clinical significance is uncertain. This variant is not present in population databases (ExAC no frequency). This sequence change replaces leucine with valine at codon 32 of the GLA protein (p.Leu32Val). The leucine residue is highly conserved and there is a small physicochemical difference between leucine and valine.

NM_000169.3(GLA):c.94C>G (p.Leu32Val)

Genes: RPL36A-HNRNPH2 (RPL36A-HNRNPH2 readthrough; plus strand), GLA (galactosidase alpha; minus strand). Cytogenetic location: Xq22.1.
Variant type: single nucleotide variant.
Coding change: c.94C>G on transcript NM_000169.3 (MANE Select); coding-DNA position 94, C replaced by G.
Protein change: p.Leu32Val; replaces leucine 32 with valine.
Molecular consequence: missense variant. On other transcripts: non-coding transcript variant (3), intron variant (2).
Genome position (GRCh38, 1-based): chrX:101,407,810, G>C on the plus strand (C>G on the coding strand, the complement: GLA is on the minus strand). VCF-style: chrX-101407810-G-C. GRCh37 (hg19) VCF-style: chrX-100662798-G-C.
Other names: c.94C>G, p.Leu32Val (NM_001406747.1, NM_001406748.1, NM_001406749.1); c.301-4126G>C (NM_001199973.2); c.178-4126G>C (NM_001199974.2); short protein forms L32V.
Identifiers: ClinVar variation 1038052 (VCV001038052.9), dbSNP rs1928587825, ClinGen allele CA413937432.